The following is an entry in ClinVar:

NM_000168.6(GLI3):c.4683C>G (p.Asp1561Glu)

Gene: GLI3 (GLI family zinc finger 3; minus strand). Cytogenetic location: 7p14.1.
Variant type: single nucleotide variant.
Coding change: c.4683C>G on transcript NM_000168.6 (MANE Select); coding-DNA position 4683, C replaced by G.
Protein change: p.Asp1561Glu; replaces aspartic acid 1561 with glutamic acid.
Molecular consequence: missense variant.
Genome position (GRCh38, 1-based): chr7:41,964,390, G>C on the plus strand (C>G on the coding strand, the complement: GLI3 is on the minus strand). VCF-style: chr7-41964390-G-C. GRCh37 (hg19) VCF-style: chr7-42003988-G-C.
Other names: short protein forms D1561E.
Identifiers: ClinVar variation 2952666 (VCV002952666.3), dbSNP rs2484361036, ClinGen allele CA367314520.
Genomic context (GRCh38, chr7:41,964,390, plus strand): 5'-CTATTGCATAACTGCAAGGAATTTGCTTTCTTCCGCTAGGGAGGTCAGCAAAGAACTCAT[G>C]TCCCCGATAGCCATGTTGGTGGTGCTCATGGACAGCGCTGGGAATGGGAGGGACGCCCGA-3'
Protein context (NP_000159.3, residues 1551-1571): SMSTTNMAIG[Asp1561Glu]MSSLLTSLAE

ClinVar aggregate classification (germline): Uncertain significance (1 of 4 stars; one submission).

Conditions:
Greig cephalopolysyndactyly syndrome (GCPS). Also called: GLI3-Related Greig Cephalopolysyndactyly Syndrome; POLYSYNDACTYLY WITH PECULIAR SKULL SHAPE; Greig syndrome. Identifiers: Orphanet 380, MedGen C0265306, MONDO:0008287, OMIM 175700.
Pallister-Hall syndrome (PHS). Also called: GLI3-Related Pallister-Hall Syndrome; HYPOTHALAMIC HAMARTOBLASTOMA, HYPOPITUITARISM, IMPERFORATE ANUS, AND POSTAXIAL POLYDACTYLY. Identifiers: Orphanet 672, MedGen C0265220, MONDO:0007804, OMIM 146510.

Submission:

Labcorp Genetics (formerly Invitae), Labcorp
Classification: Uncertain significance for Pallister-Hall syndrome; Greig cephalopolysyndactyly syndrome. Last evaluated: 2023-10-07. Review status: criteria provided, single submitter. Criteria: Invitae Variant Classification Sherloc (09022015). Collection method: clinical testing. Allele origin: germline.
Comment: This sequence change replaces aspartic acid, which is acidic and polar, with glutamic acid, which is acidic and polar, at codon 1561 of the GLI3 protein (p.Asp1561Glu). This variant is not present in population databases (gnomAD no frequency). This variant has not been reported in the literature in individuals affected with GLI3-related conditions. Advanced modeling of protein sequence and biophysical properties (such as structural, functional, and spatial information, amino acid conservation, physicochemical variation, residue mobility, and thermodynamic stability) performed at Invitae indicates that this missense variant is expected to disrupt GLI3 protein function. In summary, the available evidence is currently insufficient to determine the role of this variant in disease. Therefore, it has been classified as a Variant of Uncertain Significance.